The following is an entry in ClinVar:

ClinVar aggregate classification (germline): Uncertain significance. Review status: criteria provided, multiple submitters, no conflicts (2 of 4 stars). 2 submissions from 2 submitters: Uncertain significance (2). Last evaluated 2026-01-25.

Conditions:
Arrhythmogenic right ventricular dysplasia 8 (ARVD8). Also called: Arrhythmogenic Right Ventricular Dysplasia/Cardiomyopathy 8; ARRHYTHMOGENIC RIGHT VENTRICULAR DYSPLASIA, FAMILIAL, 8; ARRHYTHMOGENIC RIGHT VENTRICULAR CARDIOMYOPATHY 8. Identifiers: MedGen C1843896, MONDO:0011831, OMIM 607450.
Arrhythmogenic cardiomyopathy with wooly hair and keratoderma. Also called: PALMOPLANTAR KERATODERMA WITH LEFT VENTRICULAR CARDIOMYOPATHY AND WOOLLY HAIR; Carvajal syndrome; Dilated cardiomyopathy with woolly hair and keratoderma; Arrhythmogenic cardiomyopathy with woolly hair and keratoderma. Identifiers: Orphanet 65282, MedGen C1854063, MONDO:0011581, OMIM 605676.
Cardiomyopathy (CMYO). Also called: Cardiomyopathies. Identifiers: Orphanet 167848, MedGen C0878544, MONDO:0004994, HP:0001638. Inheritance: Various modes of inheritance.

Submissions (2):

Labcorp Genetics (formerly Invitae), Labcorp
Classification: Uncertain significance for Arrhythmogenic cardiomyopathy with wooly hair and keratoderma; Arrhythmogenic right ventricular dysplasia 8. Last evaluated: 2026-01-25. Review status: criteria provided, single submitter. Criteria: Invitae Variant Classification Sherloc (09022015). Collection method: clinical testing. Allele origin: germline.
Comment: This sequence change replaces asparagine, which is neutral and polar, with aspartic acid, which is acidic and polar, at codon 1137 of the DSP protein (p.Asn1137Asp). Information on the frequency of this variant in the gnomAD database is not available, as this variant may be reported differently in the database. This variant has not been reported in the literature in individuals affected with DSP-related conditions. ClinVar contains an entry for this variant (Variation ID: 924293). Experimental studies and prediction algorithms are not available or were not evaluated, and the functional significance of this variant is currently unknown. In summary, the available evidence is currently insufficient to determine the role of this variant in disease. Therefore, it has been classified as a Variant of Uncertain Significance.

Color Diagnostics, LLC DBA Color Health
Classification: Uncertain significance for Cardiomyopathy. Last evaluated: 2023-12-05. Review status: criteria provided, single submitter. Criteria: ACMG Guidelines, 2015. Collection method: clinical testing. Allele origin: germline.
Comment: Variant of Uncertain Significance due to insufficient evidence: This missense variant is located in the central rod domain of the DSP protein that is thought to form a dimeric coiled coil. Computational prediction tools and conservation analyses suggest that this variant may not impact the protein function. Computational splicing tools suggest that this variant may not impact RNA splicing. To our knowledge, functional assays have not been performed for this variant nor has this variant been reported in individuals affected with cardiovascular disorders in the literature. This variant is rare in the general population and has been identified in 0/277264 chromosomes by the Genome Aggregation Database (gnomAD). Available evidence is insufficient to determine the pathogenicity of this variant conclusively.

NM_004415.4(DSP):c.3408_3409delinsAG (p.Asn1137Asp)

Gene: DSP (desmoplakin; plus strand). Cytogenetic location: 6p24.3.
Variant type: Indel.
Coding change: c.3408_3409delinsAG on transcript NM_004415.4 (MANE Select); coding-DNA positions 3408 to 3409, GA replaced by AG.
Protein change: p.Asn1137Asp; replaces asparagine 1137 with aspartic acid.
Molecular consequence: missense variant.
Genome position (GRCh38, 1-based): chr6:7,579,598-7,579,599, GA replaced by AG. VCF-style: chr6-7579598-GA-AG. GRCh37 (hg19) VCF-style: chr6-7579831-GA-AG.
Other names: c.3408_3409delinsAG, p.Asn1137Asp (NM_001319034.2, NM_001008844.3); short protein forms N1137D.
Identifiers: ClinVar variation 924293 (VCV000924293.14), dbSNP rs1759352206, ClinGen allele CA913187624.